The following is an entry in ClinVar:

NM_020937.4(FANCM):c.3754A>G (p.Ser1252Gly)

Gene: FANCM (FA complementation group M; plus strand). Cytogenetic location: 14q21.2.
Variant type: single nucleotide variant.
Coding change: c.3754A>G on transcript NM_020937.4 (MANE Select); coding-DNA position 3754, A replaced by G.
Protein change: p.Ser1252Gly; replaces serine 1252 with glycine.
Molecular consequence: missense variant.
Genome position (GRCh38, 1-based): chr14:45,176,508, A>G. VCF-style: chr14-45176508-A-G. GRCh37 (hg19) VCF-style: chr14-45645711-A-G.
Other names: c.3676A>G, p.Ser1226Gly (NM_001308133.2); short protein forms S1226G, S1252G.
Identifiers: ClinVar variation 4254722 (VCV004254722.1).

ClinVar aggregate classification (germline): Uncertain significance (1 of 4 stars; one submission).

Conditions:
Inborn genetic diseases. Identifiers: MedGen C0950123, MeSH D030342.

Submission:

Ambry Genetics
Classification: Uncertain significance for Inborn genetic diseases. Last evaluated: 2025-08-30. Review status: criteria provided, single submitter. Criteria: Ambry Variant Classification Scheme 2023. Collection method: clinical testing. Allele origin: germline.
Comment: The p.S1252G variant (also known as c.3754A>G), located in coding exon 14 of the FANCM gene, results from an A to G substitution at nucleotide position 3754. The serine at codon 1252 is replaced by glycine, an amino acid with similar properties. This amino acid position is conserved. In addition, this alteration is predicted to be tolerated by in silico analysis. Based on the available evidence, the clinical significance of this variant remains unclear.